The following is an entry in ClinVar:

NM_000789.4(ACE):c.2525T>C (p.Phe842Ser)

Gene: ACE (angiotensin I converting enzyme; plus strand). Cytogenetic location: 17q23.3.
Variant type: single nucleotide variant.
Coding change: c.2525T>C on transcript NM_000789.4 (MANE Select); coding-DNA position 2525, T replaced by C.
Protein change: p.Phe842Ser; replaces phenylalanine 842 with serine.
Molecular consequence: missense variant. On other transcripts: non-coding transcript variant (1), intron variant (1).
Genome position (GRCh38, 1-based): chr17:63,489,016, T>C. VCF-style: chr17-63489016-T-C. GRCh37 (hg19) VCF-style: chr17-61566377-T-C.
Other names: c.803T>C, p.Phe268Ser (NM_001178057.2, NM_152830.3); c.1958T>C, p.Phe653Ser (NM_001382700.1); c.1673T>C, p.Phe558Ser (NM_001382701.1); c.379+225T>C (NM_001382702.1); short protein forms F268S, F558S, F653S, F842S.
Identifiers: ClinVar variation 3698254 (VCV003698254.2).

ClinVar aggregate classification (germline): Uncertain significance (1 of 4 stars; one submission).

Submission:

Labcorp Genetics (formerly Invitae), Labcorp
Classification: Uncertain significance. Last evaluated: 2024-05-09. Review status: criteria provided, single submitter. Criteria: Invitae Variant Classification Sherloc (09022015). Collection method: clinical testing. Allele origin: germline.
Comment: This sequence change replaces phenylalanine, which is neutral and non-polar, with serine, which is neutral and polar, at codon 842 of the ACE protein (p.Phe842Ser). This variant is present in population databases (rs537201274, gnomAD 0.007%). This variant has not been reported in the literature in individuals affected with ACE-related conditions. Advanced modeling of protein sequence and biophysical properties (such as structural, functional, and spatial information, amino acid conservation, physicochemical variation, residue mobility, and thermodynamic stability) performed at Invitae indicates that this missense variant is not expected to disrupt ACE protein function with a negative predictive value of 80%. In summary, the available evidence is currently insufficient to determine the role of this variant in disease. Therefore, it has been classified as a Variant of Uncertain Significance.